The following is an entry in ClinVar:

NM_005419.4(STAT2):c.1760G>A (p.Arg587His)

Gene: STAT2 (signal transducer and activator of transcription 2; minus strand). Cytogenetic location: 12q13.3.
Variant type: single nucleotide variant.
Coding change: c.1760G>A on transcript NM_005419.4 (MANE Select); coding-DNA position 1760, G replaced by A.
Protein change: p.Arg587His; replaces arginine 587 with histidine.
Molecular consequence: missense variant.
Genome position (GRCh38, 1-based): chr12:56,346,920, C>T on the plus strand (G>A on the coding strand, the complement: STAT2 is on the minus strand). VCF-style: chr12-56346920-C-T. GRCh37 (hg19) VCF-style: chr12-56740704-C-T.
Other names: c.1727G>A, p.Arg576His (NM_001385110.1); c.1661G>A, p.Arg554His (NM_001385111.1); c.1760G>A, p.Arg587His (NM_001385113.1); c.1739G>A, p.Arg580His (NM_001385114.1); c.1718G>A, p.Arg573His (NM_001385115.1); c.1748G>A, p.Arg583His (NM_198332.2); short protein forms R573H, R587H, R554H, R576H, R580H, R583H.
Identifiers: ClinVar variation 2155583 (VCV002155583.4), dbSNP rs571762549, ClinGen allele CA6630406.

ClinVar aggregate classification (germline): Uncertain significance (1 of 4 stars; one submission).

Conditions:
Primary immunodeficiency with post-measles-mumps-rubella vaccine viral infection. Also called: Immunodeficiency 44. Identifiers: Orphanet 431166, MedGen C4225260, MONDO:0014715, OMIM 616636.

Allele frequency attached by ClinVar (database versions not stated): TOPMed below 0.00001; ExAC 0.00001; gnomAD 0.00001.
gnomAD v4.1: 31 of 1,614,048 alleles (0.0019%); highest among the groups gnomAD compares: Non-Finnish European, 0.0025%; no homozygotes.

Submission:

Labcorp Genetics (formerly Invitae), Labcorp
Classification: Uncertain significance for Primary immunodeficiency with post-measles-mumps-rubella vaccine viral infection. Last evaluated: 2023-12-06. Review status: criteria provided, single submitter. Criteria: Invitae Variant Classification Sherloc (09022015). Collection method: clinical testing. Allele origin: germline.
Comment: This sequence change replaces arginine, which is basic and polar, with histidine, which is basic and polar, at codon 587 of the STAT2 protein (p.Arg587His). This variant is present in population databases (rs571762549, gnomAD 0.003%). This variant has not been reported in the literature in individuals affected with STAT2-related conditions. ClinVar contains an entry for this variant (Variation ID: 2155583). Advanced modeling of protein sequence and biophysical properties (such as structural, functional, and spatial information, amino acid conservation, physicochemical variation, residue mobility, and thermodynamic stability) performed at Invitae indicates that this missense variant is expected to disrupt STAT2 protein function with a positive predictive value of 80%. In summary, the available evidence is currently insufficient to determine the role of this variant in disease. Therefore, it has been classified as a Variant of Uncertain Significance.